The following is an entry in ClinVar:

NM_206933.4(USH2A):c.10695T>A (p.Tyr3565Ter)

Gene: USH2A (usherin; minus strand). Cytogenetic location: 1q41.
Variant type: single nucleotide variant.
Coding change: c.10695T>A on transcript NM_206933.4 (MANE Select); coding-DNA position 10695, T replaced by A.
Protein change: p.Tyr3565Ter; replaces tyrosine 3565 with a stop codon.
Molecular consequence: nonsense.
Genome position (GRCh38, 1-based): chr1:215,782,087, A>T on the plus strand (T>A on the coding strand, the complement: USH2A is on the minus strand). VCF-style: chr1-215782087-A-T. GRCh37 (hg19) VCF-style: chr1-215955429-A-T.
Other names: short protein forms Y3565*.
Identifiers: ClinVar variation 5016325 (VCV005016325.1).

ClinVar aggregate classification (germline): Pathogenic (1 of 4 stars; one submission).

Conditions:
USH2A-related disorder. Also called: USH2A-related condition; USH2A-related disorders. Identifiers: MedGen CN239332.

Submission:

Myriad Genetics, Inc.
Classification: Pathogenic for USH2A-related disorder. Last evaluated: 2024-08-07. Review status: criteria provided, single submitter. Criteria: Myriad Autosomal Dominant, Autosomal Recessive and X-Linked Classification Criteria (2023). Collection method: clinical testing. Allele origin: unknown.
Comment: NM_206933.2(USH2A):c.10695T>A(Y3565*) is expected to be pathogenic in the context of USH2A-related disorders. This variant is predicted to lead to an abnormal or absent protein product due to the creation of a premature termination codon in USH2A, a gene where loss-of-function variants are known to be pathogenic. Please note: this variant was assessed in the context of healthy population screening.